The following is an entry in ClinVar:

ClinVar aggregate classification (germline): Uncertain significance. Review status: criteria provided, multiple submitters, no conflicts (2 of 4 stars). 2 submissions from 2 submitters: Uncertain significance (2). Last evaluated 2024-01-02.

Conditions:
Inborn genetic diseases. Identifiers: MedGen C0950123, MeSH D030342.
Autosomal recessive limb-girdle muscular dystrophy type R18 (LGMDR18). Also called: MUSCULAR DYSTROPHY, LIMB-GIRDLE, AUTOSOMAL RECESSIVE 18; Autosomal recessive limb-girdle muscular dystrophy type 2S; Limb-girdle muscular dystrophy, type 2S. Identifiers: Orphanet 369840, MedGen C4517996, MONDO:0014144, OMIM 615356.

Allele frequency attached by ClinVar (database versions not stated): gnomAD 0.00001; ExAC 0.00002; TOPMed 0.00002; gnomAD exomes 0.00004.
gnomAD v4.1: 13 of 1,609,332 alleles (0.00081%); highest among the groups gnomAD compares: Admixed American, 0.013%; no homozygotes.

Submissions (2):

Labcorp Genetics (formerly Invitae), Labcorp
Classification: Uncertain significance for Autosomal recessive limb-girdle muscular dystrophy type R18. Last evaluated: 2024-01-02. Review status: criteria provided, single submitter. Criteria: Invitae Variant Classification Sherloc (09022015). Collection method: clinical testing. Allele origin: germline.
Comment: This sequence change replaces histidine, which is basic and polar, with arginine, which is basic and polar, at codon 260 of the TRAPPC11 protein (p.His260Arg). This variant is present in population databases (rs764083534, gnomAD 0.02%). This variant has not been reported in the literature in individuals affected with TRAPPC11-related conditions. ClinVar contains an entry for this variant (Variation ID: 541339). Advanced modeling of protein sequence and biophysical properties (such as structural, functional, and spatial information, amino acid conservation, physicochemical variation, residue mobility, and thermodynamic stability) performed at Invitae indicates that this missense variant is expected to disrupt TRAPPC11 protein function with a positive predictive value of 80%. In summary, the available evidence is currently insufficient to determine the role of this variant in disease. Therefore, it has been classified as a Variant of Uncertain Significance.

Ambry Genetics
Classification: Uncertain significance for Inborn genetic diseases. Last evaluated: 2021-04-01. Review status: criteria provided, single submitter. Criteria: Ambry Variant Classification Scheme 2023. Collection method: clinical testing. Allele origin: germline.

NM_021942.6(TRAPPC11):c.779A>G (p.His260Arg)

Gene: TRAPPC11 (trafficking protein particle complex subunit 11; plus strand). Cytogenetic location: 4q35.1.
Variant type: single nucleotide variant.
Coding change: c.779A>G on transcript NM_021942.6 (MANE Select); coding-DNA position 779, A replaced by G.
Protein change: p.His260Arg; replaces histidine 260 with arginine.
Molecular consequence: missense variant.
Genome position (GRCh38, 1-based): chr4:183,677,502, A>G. VCF-style: chr4-183677502-A-G. GRCh37 (hg19) VCF-style: chr4-184598655-A-G.
Other names: c.779A>G, p.His260Arg (NM_199053.3); c.779A>G (NM_021942.4); short protein forms H260R.
Identifiers: ClinVar variation 541339 (VCV000541339.6), dbSNP rs764083534, ClinGen allele CA3151705.